The following is an entry in ClinVar:

NM_206933.4(USH2A):c.8845+2T>G

Gene: USH2A (usherin; minus strand). Cytogenetic location: 1q41.
Variant type: single nucleotide variant.
Coding change: c.8845+2T>G on transcript NM_206933.4 (MANE Select); the canonical splice donor site of the intron after coding-DNA position 8845, T replaced by G.
Molecular consequence: splice donor variant.
Genome position (GRCh38, 1-based): chr1:215,867,005, A>C on the plus strand (T>G on the coding strand, the complement: USH2A is on the minus strand). VCF-style: chr1-215867005-A-C. GRCh37 (hg19) VCF-style: chr1-216040347-A-C.
Other names: c.8845+2T>G (NM_206933.2).
Identifiers: ClinVar variation 1049672 (VCV001049672.7), dbSNP rs1441350225, ClinGen allele CA344850883.

ClinVar aggregate classification (germline): Pathogenic/Likely pathogenic. Review status: criteria provided, multiple submitters, no conflicts (2 of 4 stars). 3 submissions from 3 submitters: Pathogenic (1); Likely pathogenic (1). 1 of the submissions does not count toward it. Last evaluated 2024-10-07.

Conditions:
Usher syndrome type 2A. Also called: RETINAL DISEASE IN USHER SYNDROME TYPE IIA, MODIFIER OF; USHER SYNDROME, TYPE IIA. Identifiers: Orphanet 231178, Orphanet 886, MedGen C1848634, MONDO:0010169, OMIM 276901.

Allele frequency attached by ClinVar (database versions not stated): gnomAD 0.00001; TOPMed 0.00001.
gnomAD v4.1: 1 of 1,614,020 alleles (0.000062%); highest among the groups gnomAD compares: African/African-American, 0.0013%; no homozygotes.

Submissions (3):

Natera, Inc.
Classification: Likely pathogenic for Usher syndrome type 2A. Last evaluated: 2024-10-07. Review status: criteria provided, single submitter. Criteria: Natera Variant Classification Schema (03/2026). Collection method: clinical testing. Allele origin: germline.
Comment: The c.8845+2T>G variant in USH2A is a canonical splice donor site variant predicted to affect pre-mRNA splicing, which may result in an abnormal transcript and altered protein product. This variant is expected to result in nonsense mediated decay, truncation, or a dysfunctional protein product. This variant is rare in the general population with a frequency below the threshold expected for the associated phenotype(s). Given the available evidence, this variant is classified as Likely Pathogenic.

Labcorp Genetics (formerly Invitae), Labcorp
Classification: Pathogenic. Last evaluated: 2022-09-06. Review status: criteria provided, single submitter. Criteria: Invitae Variant Classification Sherloc (09022015). Collection method: clinical testing. Allele origin: germline.
Comment: Disruption of this splice site has been observed in individual(s) with clinical features of Usher syndrome (Invitae). ClinVar contains an entry for this variant (Variation ID: 1049672). Algorithms developed to predict the effect of sequence changes on RNA splicing suggest that this variant may disrupt the consensus splice site. For these reasons, this variant has been classified as Pathogenic. This sequence change affects a donor splice site in intron 44 of the USH2A gene. It is expected to disrupt RNA splicing. Variants that disrupt the donor or acceptor splice site typically lead to a loss of protein function (PMID: 16199547), and loss-of-function variants in USH2A are known to be pathogenic (PMID: 10729113, 10909849, 20507924, 25649381). This variant is not present in population databases (gnomAD no frequency).

Department of Pathology and Laboratory Medicine, Sinai Health System
Classification: Likely pathogenic. Review status: no assertion criteria provided. Collection method: clinical testing. Allele origin: unknown. Affected: yes. Study: The Canadian Open Genetics Repository (COGR). Not counted in ClinVar's aggregate classification.
Comment: The USH2A c.8845+2T>G variant was not identified in the literature nor was it identified in ClinVar, Cosmic, or LOVD 3.0, however the variant was identified in dbSNP (ID: rs1441350225). The variant was also not identified in the following control databases: the 1000 Genomes Project, the NHLBI GO Exome Sequencing Project, the Exome Aggregation Consortium (August 8th 2016), or the Genome Aggregation Database (Feb 27, 2017). The c.8845+2T>G variant is predicted to cause abnormal splicing because the nucleotide substitution occurs in the invariant region of the splice consensus sequence. In addition, 4 of 4 in silico or computational prediction software programs (SpliceSiteFinder, MaxEntScan, NNSPLICE, GeneSplicer) predict a greater than 10% difference in splicing and the loss of the canonical 5' splice site. All programs predict the gain of a new 5' splice site four base pairs downstream of the canonical 5' splice site. In summary, based on the above information the clinical significance of this variant cannot be determined with certainty at this time although we would lean towards a more pathogenic role for this variant. This variant is classified as likely pathogenic.

Literature cited by the submitters: PubMed 16199547 (cited by Labcorp Genetics (formerly Invitae), Labcorp); PubMed 10729113 (cited by Labcorp Genetics (formerly Invitae), Labcorp); PubMed 10909849 (cited by Labcorp Genetics (formerly Invitae), Labcorp); PubMed 20507924 (cited by Labcorp Genetics (formerly Invitae), Labcorp); PubMed 25649381 (cited by Labcorp Genetics (formerly Invitae), Labcorp).